The following is an entry in ClinVar:

NM_006015.6(ARID1A):c.3884G>A (p.Gly1295Glu)

Gene: ARID1A (AT-rich interaction domain 1A; plus strand). Cytogenetic location: 1p36.11.
Variant type: single nucleotide variant.
Coding change: c.3884G>A on transcript NM_006015.6 (MANE Select); coding-DNA position 3884, G replaced by A.
Protein change: p.Gly1295Glu; replaces glycine 1295 with glutamic acid.
Molecular consequence: missense variant.
Genome position (GRCh38, 1-based): chr1:26,773,597, G>A. VCF-style: chr1-26773597-G-A. GRCh37 (hg19) VCF-style: chr1-27100088-G-A.
Other names: c.3884G>A, p.Gly1295Glu (NM_139135.4); short protein forms G1295E.
Identifiers: ClinVar variation 3356985 (VCV003356985.1).
Genomic context (GRCh38, chr1:26,773,597, plus strand): 5'-TGAAGCTATAGTGGGCTCAATCTGCCTCTCCAATTTTGTTTAGGACGGAGCCTGGAATAG[G>A]GCCTGAGGGAAACATGAGCACTGGGGCCCCACAGCCGAATCTCATGCCTTCCAACCCAGA-3'
Protein context (NP_006006.3, residues 1285-1305): YDRVRTEPGI[Gly1295Glu]PEGNMSTGAP

ClinVar aggregate classification (germline): Uncertain significance (0 of 4 stars; one submission).

Conditions:
ARID1A-related disorder. Also called: ARID1A-related condition.

Submission:

PreventionGenetics, part of Exact Sciences
Classification: Uncertain significance for ARID1A-related condition. Last evaluated: 2024-07-02. Review status: no assertion criteria provided. Collection method: clinical testing. Allele origin: germline.
Comment: The ARID1A c.3884G>A variant is predicted to result in the amino acid substitution p.Gly1295Glu. To our knowledge, this variant has not been reported in the literature or in a large population database, indicating this variant is rare. At this time, the clinical significance of this variant is uncertain due to the absence of conclusive functional and genetic evidence.